The following is an entry in ClinVar:

NM_001283009.2(RTEL1):c.1309C>T (p.Arg437Trp)

Genes: RTEL1 (regulator of telomere elongation helicase 1; plus strand), RTEL1-TNFRSF6B (RTEL1-TNFRSF6B readthrough (NMD candidate); plus strand). Cytogenetic location: 20q13.33.
Variant type: single nucleotide variant.
Coding change: c.1309C>T on transcript NM_001283009.2 (MANE Select); coding-DNA position 1309, C replaced by T.
Protein change: p.Arg437Trp; replaces arginine 437 with tryptophan.
Molecular consequence: missense variant. On other transcripts: non-coding transcript variant (1).
Genome position (GRCh38, 1-based): chr20:63,685,833, C>T. VCF-style: chr20-63685833-C-T. GRCh37 (hg19) VCF-style: chr20-62317186-C-T.
Other names: c.640C>T, p.Arg214Trp (NM_001283010.1); c.1309C>T, p.Arg437Trp (NM_016434.4); c.1381C>T, p.Arg461Trp (NM_032957.5); short protein forms R214W, R437W, R461W.
Identifiers: ClinVar variation 3436016 (VCV003436016.3).

ClinVar aggregate classification (germline): Uncertain significance. Review status: criteria provided, multiple submitters, no conflicts (2 of 4 stars). 2 submissions from 2 submitters: Uncertain significance (2). Last evaluated 2025-04-13.

Conditions:
Pulmonary fibrosis and/or bone marrow failure, Telomere-related, 3. Also called: PULMONARY FIBROSIS AND/OR BONE MARROW FAILURE SYNDROME, TELOMERE-RELATED, 3. Identifiers: Orphanet 2032, MedGen C4225346, MONDO:0014613, OMIM 616373.
Dyskeratosis congenita, autosomal recessive 5 (DKCB5). Identifiers: MedGen C3554656, MONDO:0014076, OMIM 615190.
Inborn genetic diseases. Identifiers: MedGen C0950123, MeSH D030342.

gnomAD v4.1: 10 of 1,612,508 alleles (0.00062%); highest among the groups gnomAD compares: South Asian, 0.0044%; no homozygotes.

Submissions (2):

Labcorp Genetics (formerly Invitae), Labcorp
Classification: Uncertain significance for Dyskeratosis congenita, autosomal recessive 5; Pulmonary fibrosis and/or bone marrow failure, Telomere-related, 3. Last evaluated: 2025-04-13. Review status: criteria provided, single submitter. Criteria: Invitae Variant Classification Sherloc (09022015). Collection method: clinical testing. Allele origin: germline.
Comment: This sequence change replaces arginine, which is basic and polar, with tryptophan, which is neutral and slightly polar, at codon 437 of the RTEL1 protein (p.Arg437Trp). This variant is present in population databases (no rsID available, gnomAD 0.003%). This variant has not been reported in the literature in individuals affected with RTEL1-related conditions. ClinVar contains an entry for this variant (Variation ID: 3436016). An algorithm developed to predict the effect of missense changes on protein structure and function (PolyPhen-2) suggests that this variant is likely to be disruptive. In summary, the available evidence is currently insufficient to determine the role of this variant in disease. Therefore, it has been classified as a Variant of Uncertain Significance.

Ambry Genetics
Classification: Uncertain significance for Inborn genetic diseases. Last evaluated: 2024-12-02. Review status: criteria provided, single submitter. Criteria: Ambry Variant Classification Scheme 2023. Collection method: clinical testing. Allele origin: germline.
Comment: The p.R437W variant (also known as c.1309C>T), located in coding exon 15 of the RTEL1 gene, results from a C to T substitution at nucleotide position 1309. The arginine at codon 437 is replaced by tryptophan, an amino acid with dissimilar properties. This amino acid position is conserved. In addition, the in silico prediction for this alteration is inconclusive. Based on the available evidence, the clinical significance of this variant remains unclear.